The following is an entry in ClinVar:

NM_001194998.2(CEP152):c.2281-2A>C

Gene: CEP152 (centrosomal protein 152; minus strand). Cytogenetic location: 15q21.1.
Variant type: single nucleotide variant.
Coding change: c.2281-2A>C on transcript NM_001194998.2 (MANE Select); the canonical splice acceptor site of the intron before coding-DNA position 2281, A replaced by C.
Molecular consequence: splice acceptor variant.
Genome position (GRCh38, 1-based): chr15:48,762,674, T>G on the plus strand (A>C on the coding strand, the complement: CEP152 is on the minus strand). VCF-style: chr15-48762674-T-G. GRCh37 (hg19) VCF-style: chr15-49054871-T-G.
Other names: c.2281-2A>C (NM_014985.4).
Identifiers: ClinVar variation 2833925 (VCV002833925.3), dbSNP rs2504664282, ClinGen allele CA392347715.

ClinVar aggregate classification (germline): Likely pathogenic (1 of 4 stars; one submission).

Submission:

Labcorp Genetics (formerly Invitae), Labcorp
Classification: Likely pathogenic. Last evaluated: 2023-02-02. Review status: criteria provided, single submitter. Criteria: Invitae Variant Classification Sherloc (09022015). Collection method: clinical testing. Allele origin: germline.
Comment: This sequence change affects an acceptor splice site in intron 17 of the CEP152 gene. It is expected to disrupt RNA splicing. Variants that disrupt the donor or acceptor splice site typically lead to a loss of protein function (PMID: 16199547), and loss-of-function variants in CEP152 are known to be pathogenic (PMID: 21131973). This variant is not present in population databases (gnomAD no frequency). This variant has not been reported in the literature in individuals affected with CEP152-related conditions. Algorithms developed to predict the effect of sequence changes on RNA splicing suggest that this variant may disrupt the consensus splice site. In summary, the currently available evidence indicates that the variant is pathogenic, but additional data are needed to prove that conclusively. Therefore, this variant has been classified as Likely Pathogenic.

Literature cited by the submitters: PubMed 16199547; PubMed 21131973.